The following is an entry in ClinVar:

NM_000548.5(TSC2):c.4414G>C (p.Gly1472Arg)

Gene: TSC2 (TSC complex subunit 2; plus strand). Cytogenetic location: 16p13.3.
Variant type: single nucleotide variant.
Coding change: c.4414G>C on transcript NM_000548.5 (MANE Select); coding-DNA position 4414, G replaced by C.
Protein change: p.Gly1472Arg; replaces glycine 1472 with arginine.
Molecular consequence: missense variant.
Genome position (GRCh38, 1-based): chr16:2,084,636, G>C. VCF-style: chr16-2084636-G-C. GRCh37 (hg19) VCF-style: chr16-2134637-G-C.
Other names: c.4213G>C, p.Gly1405Arg (NM_001077183.3); c.4345G>C, p.Gly1449Arg (NM_001114382.3); c.4105G>C, p.Gly1369Arg (NM_001318827.2); c.4069G>C, p.Gly1357Arg (NM_001318829.2); c.3682G>C, p.Gly1228Arg (NM_001318831.2); c.4246G>C, p.Gly1416Arg (NM_001318832.2); c.4216G>C, p.Gly1406Arg (NM_001363528.2); c.4282G>C, p.Gly1428Arg (NM_001370404.1); and 26 more; short protein forms G1206R, G1248R, G1249R, G1369R, G1405R, G1412R, G1416R, G1449R.
Identifiers: ClinVar variation 1740425 (VCV001740425.2), dbSNP rs558737770, ClinGen allele CA394302108.
Genomic context (GRCh38, chr16:2,084,636, plus strand): 5'-TCGCCCAGTGGCCTCCGGCCCCGAGGTTACACCATCTCCGACTCGGCCCCATCACGCAGG[G>C]GCAAGAGAGTAGAGAGGGACGCCTTAAAGAGCAGAGCCACAGCCTCCAATGCAGAGAAAG-3'
Protein context (NP_000539.2, residues 1462-1482): TISDSAPSRR[Gly1472Arg]KRVERDALKS

ClinVar aggregate classification (germline): Uncertain significance (1 of 4 stars; one submission).

Conditions:
Hereditary cancer-predisposing syndrome. Also called: Hereditary Cancer Syndrome; Hereditary neoplastic syndrome; Neoplastic Syndromes, Hereditary; Tumor predisposition. Identifiers: Orphanet 140162, MedGen C0027672, MeSH D009386, MONDO:0015356.

Submission:

Ambry Genetics
Classification: Uncertain significance for Hereditary cancer-predisposing syndrome. Last evaluated: 2022-03-23. Review status: criteria provided, single submitter. Criteria: Ambry Variant Classification Scheme 2023. Collection method: clinical testing. Allele origin: germline.
Comment: The p.G1472R variant (also known as c.4414G>C), located in coding exon 33 of the TSC2 gene, results from a G to C substitution at nucleotide position 4414. The glycine at codon 1472 is replaced by arginine, an amino acid with dissimilar properties. This amino acid position is conserved. In addition, this alteration is predicted to be deleterious by in silico analysis. Since supporting evidence is limited at this time, the clinical significance of this alteration remains unclear.